The following is an entry in ClinVar:

ClinVar aggregate classification (germline): Pathogenic (1 of 4 stars; one submission).

Conditions:
Cardiovascular phenotype. Identifiers: MedGen CN230736.

Submission:

Ambry Genetics
Classification: Pathogenic for Cardiovascular phenotype. Last evaluated: 2024-01-02. Review status: criteria provided, single submitter. Criteria: Ambry Variant Classification Scheme 2023. Collection method: clinical testing. Allele origin: germline.
Comment: The p.C1117* pathogenic mutation (also known as c.3351T>A), located in coding exon 21 of the FLNC gene, results from a T to A substitution at nucleotide position 3351. This changes the amino acid from a cysteine to a stop codon within coding exon 21. This variant is considered to be rare based on population cohorts in the Genome Aggregation Database (gnomAD). This alteration is expected to result in loss of function by premature protein truncation or nonsense-mediated mRNA decay. Based on the supporting evidence, this variant is expected to be causative of dilated cardiomyopathy; however, its clinical significance for hypertrophic/restrictive cardiomyopathy and/or skeletal myopathy is unclear.

NM_001458.5(FLNC):c.3351T>A (p.Cys1117Ter)

Gene: FLNC (filamin C; plus strand). Cytogenetic location: 7q32.1.
Variant type: single nucleotide variant.
Coding change: c.3351T>A on transcript NM_001458.5 (MANE Select); coding-DNA position 3351, T replaced by A.
Protein change: p.Cys1117Ter; replaces cysteine 1117 with a stop codon.
Molecular consequence: nonsense.
Genome position (GRCh38, 1-based): chr7:128,844,816, T>A. VCF-style: chr7-128844816-T-A. GRCh37 (hg19) VCF-style: chr7-128484870-T-A.
Other names: c.3351T>A, p.Cys1117Ter (NM_001127487.2); short protein forms C1117*.
Identifiers: ClinVar variation 3221723 (VCV003221723.1), dbSNP rs2536637338, ClinGen allele CA369196583.